The following is an entry in ClinVar:

ClinVar aggregate classification (germline): Likely pathogenic (1 of 4 stars; one submission).

Conditions:
Congenital lactic acidosis, Saguenay-Lac-Saint-Jean type (MC4DN5). Also called: MITOCHONDRIAL COMPLEX IV DEFICIENCY, NUCLEAR TYPE 5; CYTOCHROME c OXIDASE DEFICIENCY, FRENCH CANADIAN TYPE; COX DEFICIENCY, FRENCH CANADIAN TYPE. Identifiers: Orphanet 70472, MedGen C1857355, MONDO:0009069, OMIM 220111.

Submission:

Myriad Genetics, Inc.
Classification: Likely pathogenic for Congenital lactic acidosis, Saguenay-Lac-Saint-Jean type. Last evaluated: 2022-03-14. Review status: criteria provided, single submitter. Criteria: Myriad Women's Health Autosomal Recessive and X-Linked Classification Criteria (2021). Collection method: clinical testing. Allele origin: unknown.
Comment: NM_133259.3(LRPPRC):c.3227T>A(L1076*) is expected to be pathogenic in the context of Leigh syndrome, French-Canadian type. This variant is predicted to lead to an abnormal or absent protein product due to the creation of a premature termination codon in LRPPRC, a gene where loss-of-function variants are known to be pathogenic. Please note: this variant was assessed in the context of healthy population screening.

NM_133259.4(LRPPRC):c.3227T>A (p.Leu1076Ter)

Gene: LRPPRC (leucine rich pentatricopeptide repeat containing; minus strand). Cytogenetic location: 2p21.
Variant type: single nucleotide variant.
Coding change: c.3227T>A on transcript NM_133259.4 (MANE Select); coding-DNA position 3227, T replaced by A.
Protein change: p.Leu1076Ter; replaces leucine 1076 with a stop codon.
Molecular consequence: nonsense.
Genome position (GRCh38, 1-based): chr2:43,912,480, A>T on the plus strand (T>A on the coding strand, the complement: LRPPRC is on the minus strand). VCF-style: chr2-43912480-A-T. GRCh37 (hg19) VCF-style: chr2-44139619-A-T.
Other names: short protein forms L1076*.
Identifiers: ClinVar variation 1725189 (VCV001725189.2), dbSNP rs2466424201, ClinGen allele CA346667165.